The following is an entry in ClinVar:

ClinVar aggregate classification (germline): Uncertain significance. Review status: criteria provided, multiple submitters, no conflicts (2 of 4 stars). 5 submissions from 5 submitters: Uncertain significance (5). Last evaluated 2026-01-27.

Conditions:
Hereditary cancer-predisposing syndrome. Also called: Neoplastic Syndromes, Hereditary; Hereditary Cancer Syndrome; Tumor predisposition; Hereditary neoplastic syndrome. Identifiers: Orphanet 140162, MedGen C0027672, MeSH D009386, MONDO:0015356.
Cardiovascular phenotype. Identifiers: MedGen CN230736.
LZTR1-related schwannomatosis. Also called: Schwannomatosis 2; Schwannomatosis-2, susceptibility to. Identifiers: Orphanet 93921, MedGen C3810283, MONDO:0014299, OMIM 615670.

Allele frequency attached by ClinVar (database versions not stated): gnomAD 0.00001; TOPMed 0.00001; ExAC 0.00002; gnomAD exomes 0.00002; 1000 Genomes Project 30x 0.00016; 1000 Genomes Project 0.00020.
gnomAD v4.1: 29 of 1,613,120 alleles (0.0018%); highest among the groups gnomAD compares: East Asian, 0.0067%; no homozygotes.

Submissions (5):

Labcorp Genetics (formerly Invitae), Labcorp
Classification: Uncertain significance. Last evaluated: 2026-01-27. Review status: criteria provided, single submitter. Criteria: Invitae Variant Classification Sherloc (09022015). Collection method: clinical testing. Allele origin: germline.
Comment: This sequence change replaces glycine, which is neutral and non-polar, with serine, which is neutral and polar, at codon 730 of the LZTR1 protein (p.Gly730Ser). This variant is present in population databases (rs199625022, gnomAD 0.02%). This variant has not been reported in the literature in individuals affected with LZTR1-related conditions. ClinVar contains an entry for this variant (Variation ID: 1507421). Invitae Evidence Modeling of protein sequence and biophysical properties (such as structural, functional, and spatial information, amino acid conservation, physicochemical variation, residue mobility, and thermodynamic stability) indicates that this missense variant is not expected to disrupt LZTR1 protein function with a negative predictive value of 80%. In summary, the available evidence is currently insufficient to determine the role of this variant in disease. Therefore, it has been classified as a Variant of Uncertain Significance.

Ambry Genetics
Classification: Uncertain significance for Cardiovascular phenotype; Hereditary cancer-predisposing syndrome. Last evaluated: 2024-02-14. Review status: criteria provided, single submitter. Criteria: Ambry Variant Classification Scheme 2023. Collection method: clinical testing. Allele origin: germline.
Comment: The p.G730S variant (also known as c.2188G>A), located in coding exon 18 of the LZTR1 gene, results from a G to A substitution at nucleotide position 2188. The glycine at codon 730 is replaced by serine, an amino acid with similar properties. This amino acid position is highly conserved in available vertebrate species. In addition, this alteration is predicted to be deleterious by in silico analysis. Based on the available evidence, the clinical significance of this alteration remains unclear.

Blueprint Genetics
Classification: Uncertain significance. Last evaluated: 2024-02-13. Review status: criteria provided, single submitter. Criteria: ACMG Guidelines, 2015. Collection method: clinical testing. Allele origin: germline.

Baylor Genetics
Classification: Uncertain significance for LZTR1-related schwannomatosis. Last evaluated: 2023-11-14. Review status: criteria provided, single submitter. Criteria: ACMG Guidelines, 2015. Collection method: clinical testing. Allele origin: unknown.

GeneDx
Classification: Uncertain significance. Last evaluated: 2023-07-03. Review status: criteria provided, single submitter. Criteria: GeneDx Variant Classification Process June 2021. Collection method: clinical testing. Allele origin: germline. Affected: yes.
Comment: In silico analysis supports that this missense variant has a deleterious effect on protein structure/function; Has not been previously published as pathogenic or benign to our knowledge

NM_006767.4(LZTR1):c.2188G>A (p.Gly730Ser)

Gene: LZTR1 (leucine zipper like post translational regulator 1; plus strand). Cytogenetic location: 22q11.21.
Variant type: single nucleotide variant.
Coding change: c.2188G>A on transcript NM_006767.4 (MANE Select); coding-DNA position 2188, G replaced by A.
Protein change: p.Gly730Ser; replaces glycine 730 with serine.
Molecular consequence: missense variant.
Genome position (GRCh38, 1-based): chr22:20,996,081, G>A. VCF-style: chr22-20996081-G-A. GRCh37 (hg19) VCF-style: chr22-21350370-G-A.
Other names: short protein forms G730S.
Identifiers: ClinVar variation 1507421 (VCV001507421.11), dbSNP rs199625022, ClinGen allele CA10119269.